The following is an entry in ClinVar:

NM_139343.3(BIN1):c.1366G>A (p.Ala456Thr)

Gene: BIN1 (bridging integrator 1; minus strand). Cytogenetic location: 2q14.3.
Variant type: single nucleotide variant.
Coding change: c.1366G>A on transcript NM_139343.3 (MANE Select); coding-DNA position 1366, G replaced by A.
Protein change: p.Ala456Thr; replaces alanine 456 with threonine.
Molecular consequence: missense variant. On other transcripts: intron variant (9).
Genome position (GRCh38, 1-based): chr2:127,052,260, C>T on the plus strand (G>A on the coding strand, the complement: BIN1 is on the minus strand). VCF-style: chr2-127052260-C-T. GRCh37 (hg19) VCF-style: chr2-127809836-C-T.
Other names: c.1273G>A, p.Ala425Thr (NM_001320641.2); c.1285G>A, p.Ala429Thr (NM_001320642.1); c.1237G>A, p.Ala413Thr (NM_139344.3); c.1105G>A, p.Ala369Thr (NM_139345.3); c.1141G>A, p.Ala381Thr (NM_139347.3); c.1012G>A, p.Ala338Thr (NM_139349.3); c.838-1348G>A (NM_001320634.1); c.910-1348G>A (NM_139351.3); and 7 more; short protein forms A338T, A369T, A381T, A413T, A425T, A429T, A456T.
Identifiers: ClinVar variation 1719032 (VCV001719032.5), dbSNP rs1297753688, ClinGen allele CA348375712.

ClinVar aggregate classification (germline): Uncertain significance (1 of 4 stars; one submission).

Conditions:
Myopathy, centronuclear, 2 (CNM2). Also called: MYOTUBULAR MYOPATHY, AUTOSOMAL RECESSIVE. Identifiers: Orphanet 169186, MedGen CN031787, MONDO:0009709, OMIM 255200.

Submission:

Labcorp Genetics (formerly Invitae), Labcorp
Classification: Uncertain significance for Myopathy, centronuclear, 2. Last evaluated: 2022-09-15. Review status: criteria provided, single submitter. Criteria: Invitae Variant Classification Sherloc (09022015). Collection method: clinical testing. Allele origin: germline.
Comment: This sequence change replaces alanine, which is neutral and non-polar, with threonine, which is neutral and polar, at codon 456 of the BIN1 protein (p.Ala456Thr). This variant is not present in population databases (gnomAD no frequency). This variant has not been reported in the literature in individuals affected with BIN1-related conditions. Algorithms developed to predict the effect of missense changes on protein structure and function (SIFT, PolyPhen-2, Align-GVGD) all suggest that this variant is likely to be tolerated. In summary, the available evidence is currently insufficient to determine the role of this variant in disease. Therefore, it has been classified as a Variant of Uncertain Significance.